The following is an entry in ClinVar:

NM_001370259.2(MEN1):c.1226G>T (p.Cys409Phe)

Gene: MEN1 (menin 1; minus strand). Cytogenetic location: 11q13.1.
Variant type: single nucleotide variant.
Coding change: c.1226G>T on transcript NM_001370259.2 (MANE Select); coding-DNA position 1226, G replaced by T.
Protein change: p.Cys409Phe; replaces cysteine 409 with phenylalanine.
Molecular consequence: missense variant. On other transcripts: non-coding transcript variant (4), intron variant (1).
Genome position (GRCh38, 1-based): chr11:64,805,158, C>A on the plus strand (G>T on the coding strand, the complement: MEN1 is on the minus strand). VCF-style: chr11-64805158-C-A. GRCh37 (hg19) VCF-style: chr11-64572630-C-A.
Other names: c.1241G>T, p.Cys414Phe (NM_000244.4, NM_130800.3, NM_001407145.1 and 4 more transcripts); c.1226G>T, p.Cys409Phe (NM_001407146.1, NM_001407147.1, NM_130799.3 and 2 more transcripts); c.1121G>T, p.Cys374Phe (NM_001407148.1, NM_001407149.1, NM_001370262.2 and 1 more transcripts); c.1367G>T, p.Cys456Phe (NM_001407150.1); c.1247G>T, p.Cys416Phe (NM_001407151.1); c.1352G>T, p.Cys451Phe (NM_001370251.2, NM_001407142.1, NM_001407143.1 and 1 more transcripts); c.1186-342G>T (NM_001407152.1); short protein forms C374F, C409F, C416F, C456F, C414F, C451F.
Identifiers: ClinVar variation 3634191 (VCV003634191.3).
Genomic context (GRCh38, chr11:64,805,158, plus strand): 5'-GTGGGACTGCCCTCCTCCCATTTGCAGATGCCGTCGTAGAATCGCAGCAGGTGGGCGAAG[C>A]ACTCAGGGTCCTGGAGGGCGGAACCTTGGCTCTGGGTGCCCTGGACGAGGGGGAAGGGAG-3'
Protein context (NP_001357188.2, residues 399-419): SQGSALQDPE[Cys409Phe]FAHLLRFYDG

ClinVar aggregate classification (germline): Uncertain significance. Review status: criteria provided, multiple submitters, no conflicts (2 of 4 stars). 2 submissions from 2 submitters: Uncertain significance (2). Last evaluated 2026-08-12.

Conditions:
Multiple endocrine neoplasia, type 1 (MEN1). Also called: MEA I; MEN I; WERMER SYNDROME; Endocrine adenomatosis multiple; MEN 1. Identifiers: Orphanet 652, MedGen C0025267, MeSH D018761, MONDO:0007540, OMIM 131100.
Hereditary cancer-predisposing syndrome. Also called: Hereditary neoplastic syndrome; Neoplastic Syndromes, Hereditary; Tumor predisposition; Hereditary Cancer Syndrome. Identifiers: Orphanet 140162, MedGen C0027672, MeSH D009386, MONDO:0015356.

Submissions (2):

Ambry Genetics
Classification: Uncertain significance for Hereditary cancer-predisposing syndrome. Last evaluated: 2026-08-12. Review status: criteria provided, single submitter. Criteria: Ambry Variant Classification Scheme 2023. Collection method: clinical testing. Allele origin: germline.
Comment: The p.C409F variant (also known as c.1226G>T), located in coding exon 8 of the MEN1 gene, results from a G to T substitution at nucleotide position 1226. The cysteine at codon 409 is replaced by phenylalanine, an amino acid with highly dissimilar properties. This amino acid position is conserved. In addition, this alteration is predicted to be deleterious by in silico analysis. Based on the available evidence, the clinical significance of this variant remains unclear.

Labcorp Genetics (formerly Invitae), Labcorp
Classification: Uncertain significance for Multiple endocrine neoplasia, type 1. Last evaluated: 2025-10-09. Review status: criteria provided, single submitter. Criteria: Invitae Variant Classification Sherloc (09022015). Collection method: clinical testing. Allele origin: germline.
Comment: This sequence change replaces cysteine, which is neutral and slightly polar, with phenylalanine, which is neutral and non-polar, at codon 409 of the MEN1 protein (p.Cys409Phe). This variant is not present in population databases (gnomAD no frequency). This variant has not been reported in the literature in individuals affected with MEN1-related conditions. ClinVar contains an entry for this variant (Variation ID: 3634191). Invitae Evidence Modeling of protein sequence and biophysical properties (such as structural, functional, and spatial information, amino acid conservation, physicochemical variation, residue mobility, and thermodynamic stability) indicates that this missense variant is expected to disrupt MEN1 protein function with a positive predictive value of 95%. In summary, the available evidence is currently insufficient to determine the role of this variant in disease. Therefore, it has been classified as a Variant of Uncertain Significance.